The following is an entry in ClinVar:

NM_004035.7(ACOX1):c.710A>G (p.Asn237Ser)

Gene: ACOX1 (acyl-CoA oxidase 1; minus strand). Cytogenetic location: 17q25.1.
Variant type: single nucleotide variant.
Coding change: c.710A>G on transcript NM_004035.7 (MANE Select); coding-DNA position 710, A replaced by G.
Protein change: p.Asn237Ser; replaces asparagine 237 with serine.
Molecular consequence: missense variant.
Genome position (GRCh38, 1-based): chr17:75,955,630, T>C on the plus strand (A>G on the coding strand, the complement: ACOX1 is on the minus strand). VCF-style: chr17-75955630-T-C. GRCh37 (hg19) VCF-style: chr17-73951711-T-C.
Other names: c.596A>G, p.Asn199Ser (NM_001185039.2); c.710A>G, p.Asn237Ser (NM_007292.6); short protein forms N237S, N199S.
Identifiers: ClinVar variation 584427 (VCV000584427.22), dbSNP rs1567876984, ClinGen allele CA401067617.
Genomic context (GRCh38, chr17:75,955,630, plus strand): 5'-GCATACTTCATCAGCATGTTTTCTCTGGGAATACGATGGTTGTCCATTTTGAGGTAGCCA[T>C]TGTCTATCTCATCATAACCAAATTTGGGGCCGATGTCACCAACGGTAATTCCTACCACAG-3'
Protein context (NP_004026.2, residues 227-247): GPKFGYDEID[Asn237Ser]GYLKMDNHRI

ClinVar aggregate classification (germline): Pathogenic/Likely pathogenic. Review status: criteria provided, multiple submitters, no conflicts (2 of 4 stars). 13 submissions from 12 submitters: Pathogenic (9); Likely pathogenic (3). 1 of the submissions does not count toward it. Last evaluated 2026-10-22.

Conditions:
ACOX1-related disorder. Also called: ACOX1-related condition; ACOX1-related disorders.
Mitchell syndrome. Identifiers: Orphanet 631248, MedGen C5394554, MONDO:0030073, OMIM 618960.
Inborn errors of metabolism. Also called: Inborn error of metabolism. Identifiers: Orphanet 68367, MedGen C0025521, MONDO:0019052.
Acyl-CoA oxidase deficiency. Also called: STRAIGHT-CHAIN ACYL-CoA OXIDASE DEFICIENCY; Pseudoneonatal adrenoleukodystrophy; Peroxisomal acyl-CoA oxidase deficiency. Identifiers: Orphanet 2971, MedGen C1849678, MONDO:0009919, OMIM 264470. Disease mechanism: loss of function.
Inborn genetic diseases. Identifiers: MedGen C0950123, MeSH D030342.

Submissions (13):

GeneDx
Classification: Pathogenic. Last evaluated: 2026-10-22. Review status: criteria provided, single submitter. Criteria: GeneDx Variant Classification Process June 2021. Collection method: clinical testing. Allele origin: germline.
Comment: Published functional studies found p.(N237S) is associated with increased ACOX1 stability and activity compared to the wild type protein, supporting a gain-of-function effect (PMID: 32169171); Not observed at significant frequency in large population cohorts (gnomAD); This variant is associated with the following publications: (PMID: 35982159, 32437651, 35149097, 35715200, 32169171, 38923841, 38357503, 38923010, Guo2024_Paper, 33057194, 37555868, 37400800, 37846133, 37645600, 42331342, 42636650)

Unidad de Genómica Garrahan, Hospital de Pediatría Garrahan
Classification: Likely pathogenic for Mitchell syndrome. Last evaluated: 2024-01-24. Review status: criteria provided, single submitter. Criteria: ACMG Guidelines, 2015. Collection method: clinical testing. Allele origin: unknown. Inheritance: Autosomal dominant inheritance. Affected: yes. Observed: 1 heterozygote.
Comment: The NM_004035.7:c.710A>G variant corresponds to a missense variant, located in exon 6 of the ACOX1 gene. This variant causes a change at protein level from Asparagine to Serine at position 237 (p.(Asn237Ser)). This variant has a null frequency in population databases. At the same time, the variant has multiple reports in ClinVar, where it is classified as likely pathogenic/pathogenic. Residue 237 is found covering the FAD binding pocket and it has been shown that the variant promotes dimerization to the active form of the enzyme, so it is considered a gain-of-function variant. Additionally, it has been reported 'de novo' in five patients with Mitchell syndrome. Functional studies, as well as bioinformatics tools, support the deleterious effect of this variant. (PMID: 32169171, 37400800).

Undiagnosed Diseases Network, NIH
Classification: Pathogenic for ACOX1-related condition. Last evaluated: 2023-12-26. Review status: criteria provided, single submitter. Criteria: ACMG Guidelines, 2015. Collection method: clinical testing. Allele origin: de novo. Inheritance: Autosomal dominant inheritance. Affected: yes. Observed: 1 variant allele, 1 heterozygote. Study: Undiagnosed Diseases Network (NIH), UDN.

Greenwood Genetic Center Diagnostic Laboratories, Greenwood Genetic Center
Classification: Pathogenic for Mitchell syndrome. Last evaluated: 2023-08-22. Review status: criteria provided, single submitter. Criteria: ACMG Guidelines, 2015. Collection method: clinical testing. Allele origin: germline. Affected: yes.
Comment: PS2, PS3, PS4, PM2, PP3

Revvity Omics, Revvity
Classification: Likely pathogenic. Last evaluated: 2022-07-14. Review status: criteria provided, single submitter. Criteria: ACMG Guidelines, 2015. Collection method: clinical testing. Allele origin: germline.

Mendelics
Classification: Pathogenic for Acyl-CoA oxidase deficiency. Last evaluated: 2022-05-04. Review status: criteria provided, single submitter. Criteria: Mendelics Assertion Criteria 2019. Collection method: clinical testing. Allele origin: germline.

Ambry Genetics
Classification: Pathogenic for Inborn genetic diseases. Last evaluated: 2021-09-30. Review status: criteria provided, single submitter. Criteria: Ambry Variant Classification Scheme 2023. Collection method: clinical testing. Allele origin: germline.
Comment: The c.710A>G (p.N237S) alteration is located in exon 6 (coding exon 6) of the ACOX1 gene. This alteration results from an A to G substitution at nucleotide position 710, causing the asparagine (N) at amino acid position 237 to be replaced by a serine (S). This variant was not reported in population-based cohorts in the Genome Aggregation Database (gnomAD). This alteration has been reported as de novo in three unrelated patients with progressive myeloneuropathy and sensorineural hearing loss. Sural nerve biopsy performed on one of these patients showed axonal degeneration and abnormal myelin folding (Chung, 2020). This amino acid position is highly conserved in available vertebrate species. Functional studies show this alteration causes gain of ACOX1 function resulting in elevated levels of reactive oxygen species in glia in flies and murine Schwann cells (Chung, 2020). The in silico prediction for this alteration is inconclusive. Based on the available evidence, this alteration is classified as pathogenic.

AURAGEN, Plan France Médecine Génomique
Classification: Likely pathogenic for Inborn errors of metabolism. Last evaluated: 2021-05-28. Review status: criteria provided, single submitter. Criteria: PFMG2025 (Lancet Reg Health Eur. 2025). Collection method: clinical testing. Allele origin: germline. Affected: yes.

Undiagnosed Diseases Network, NIH
Classification: Pathogenic for Mitchell syndrome. Last evaluated: 2021-04-12. Review status: criteria provided, single submitter. Criteria: ACMG Guidelines, 2015. Collection method: clinical testing. Allele origin: de novo. Inheritance: Autosomal dominant inheritance. Affected: yes. Observed: 1 variant allele, 1 heterozygote. Study: Undiagnosed Diseases Network (NIH), UDN.

Baylor Genetics
Classification: Pathogenic for Acyl-CoA oxidase deficiency. Last evaluated: 2021-02-04. Review status: criteria provided, single submitter. Criteria: ACMG Guidelines, 2015. Collection method: clinical testing. Allele origin: unknown.

Institute of Medical Genetics and Applied Genomics, University Hospital Tübingen
Classification: Pathogenic. Last evaluated: 2020-10-23. Review status: criteria provided, single submitter. Criteria: ACMG Guidelines, 2015. Collection method: clinical testing. Allele origin: germline. Inheritance: Autosomal dominant inheritance. Affected: yes.

Rady Children's Institute for Genomic Medicine, Rady Children's Hospital San Diego
Classification: Pathogenic for ACOX1-related disorders. Last evaluated: 2020-09-10. Review status: criteria provided, single submitter. Criteria: ACMG Guidelines, 2015. Collection method: clinical testing. Allele origin: germline. Affected: yes.
Comment: This variant has been recently reported as a de novo change in three patients with progressive myeloneuropathy, ataxia, and sensorineural hearing loss with normal levels of very-long-chain fatty acid (VLCFA) (PMID: 32169171). Functional characterization of the variant demonstrates a gain-of-function effect that stabilizes the ACOX1 protein as an active dimer leading to elevated levels of reactive oxygen species (ROS) (PMID: 32169171). It is absent from the gnomAD population database and thus is presumed to be rare. The c.710A>G (p.Asn237Ser) variant affects a highly conserved amino acid and is predicted by multiple in silico tools to have a deleterious effect on protein function. Analysis of the parental samples was negative for the variant, indicating this variant likely occurred as a de novo event. Based on the available evidence, the c.710A>G (p.Asn237Ser) variant is classified as Pathogenic.

OMIM
Classification: Pathogenic for MITCHELL SYNDROME. Last evaluated: 2020-07-22. Review status: no assertion criteria provided. Collection method: literature only. Allele origin: germline. Not counted in ClinVar's aggregate classification.

Literature cited by the submitters: PubMed 32169171 (cited by 4 submitters); PubMed 37400800 (cited by Unidad de Genómica Garrahan, Hospital de Pediatría Garrahan).